The following is an entry in ClinVar:

ClinVar aggregate classification (germline): Uncertain significance. Review status: criteria provided, multiple submitters, no conflicts (2 of 4 stars). 2 submissions from 2 submitters: Uncertain significance (2). Last evaluated 2025-09-25.

gnomAD v4.1: 14 of 1,612,652 alleles (0.00087%); highest among the groups gnomAD compares: African/African-American, 0.019%; no homozygotes.

Submissions (2):

Ambry Genetics
Classification: Uncertain significance. Last evaluated: 2025-09-25. Review status: criteria provided, single submitter. Criteria: Ambry Variant Classification Scheme 2023. Collection method: clinical testing. Allele origin: germline.

Labcorp Genetics (formerly Invitae), Labcorp
Classification: Uncertain significance. Last evaluated: 2024-07-30. Review status: criteria provided, single submitter. Criteria: Invitae Variant Classification Sherloc (09022015). Collection method: clinical testing. Allele origin: germline.
Comment: This sequence change replaces arginine, which is basic and polar, with threonine, which is neutral and polar, at codon 218 of the LIPI protein (p.Arg218Thr). The frequency data for this variant in the population databases is considered unreliable, as metrics indicate poor data quality at this position in the gnomAD database. This variant has not been reported in the literature in individuals affected with LIPI-related conditions. An algorithm developed to predict the effect of missense changes on protein structure and function (PolyPhen-2) suggests that this variant is likely to be disruptive. In summary, the available evidence is currently insufficient to determine the role of this variant in disease. Therefore, it has been classified as a Variant of Uncertain Significance.

NM_001302998.2(LIPI):c.590G>C (p.Arg197Thr)

Gene: LIPI (lipase I; minus strand). Cytogenetic location: 21q11.2.
Variant type: single nucleotide variant.
Coding change: c.590G>C on transcript NM_001302998.2 (MANE Select); coding-DNA position 590, G replaced by C.
Protein change: p.Arg197Thr; replaces arginine 197 with threonine.
Molecular consequence: missense variant.
Genome position (GRCh38, 1-based): chr21:14,181,811, C>G on the plus strand (G>C on the coding strand, the complement: LIPI is on the minus strand). VCF-style: chr21-14181811-C-G. GRCh37 (hg19) VCF-style: chr21-15554132-C-G.
Other names: c.590G>C, p.Arg197Thr (NM_001302999.2, NM_001303000.2, NM_001303001.2 and 1 more transcripts); c.95G>C, p.Arg32Thr (NM_001379566.1); c.455G>C, p.Arg152Thr (NM_198996.4); c.653G>C (NM_198996.2); short protein forms R152T, R197T, R32T.
Identifiers: ClinVar variation 3605675 (VCV003605675.3).